The following is an entry in ClinVar:

ClinVar aggregate classification (germline): Uncertain significance (1 of 4 stars; one submission).

Conditions:
Nemaline myopathy 2 (NEM2). Also called: Nemaline myopathy 2, autosomal recessive. Identifiers: MedGen C1850569, MONDO:0009725, OMIM 256030.

Allele frequency attached by ClinVar (database versions not stated): gnomAD exomes below 0.00001; ExAC 0.00001; TOPMed 0.00001.
gnomAD v4.1: 1 of 1,609,486 alleles (0.000062%); highest among the groups gnomAD compares: Admixed American, 0.0017%; no homozygotes.

Submission:

Labcorp Genetics (formerly Invitae), Labcorp
Classification: Uncertain significance for Nemaline myopathy 2. Last evaluated: 2022-05-03. Review status: criteria provided, single submitter. Criteria: Invitae Variant Classification Sherloc (09022015). Collection method: clinical testing. Allele origin: germline.
Comment: This sequence change falls in intron 14 of the NEB gene. It does not directly change the encoded amino acid sequence of the NEB protein. It affects a nucleotide within the consensus splice site. This variant is present in population databases (rs750321888, gnomAD 0.006%). This variant has not been reported in the literature in individuals affected with NEB-related conditions. Variants that disrupt the consensus splice site are a relatively common cause of aberrant splicing (PMID: 17576681, 9536098). Algorithms developed to predict the effect of sequence changes on RNA splicing suggest that this variant may disrupt the consensus splice site. In summary, the available evidence is currently insufficient to determine the role of this variant in disease. Therefore, it has been classified as a Variant of Uncertain Significance.

Literature cited by the submitters: PubMed 17576681; PubMed 9536098.

NM_001164508.2(NEB):c.1257+3A>G

Gene: NEB (nebulin; minus strand). Cytogenetic location: 2q23.3.
Variant type: single nucleotide variant.
Coding change: c.1257+3A>G on transcript NM_001164508.2 (MANE Select); 3 bases into the intron after coding-DNA position 1257, A replaced by G.
Molecular consequence: intron variant.
Genome position (GRCh38, 1-based): chr2:151,697,541, T>C on the plus strand (A>G on the coding strand, the complement: NEB is on the minus strand). VCF-style: chr2-151697541-T-C. GRCh37 (hg19) VCF-style: chr2-152554055-T-C.
Other names: c.1257+3A>G (NM_004543.5, NM_001164507.2, NM_001271208.2).
Identifiers: ClinVar variation 2201886 (VCV002201886.1), dbSNP rs750321888, ClinGen allele CA1911645.